The following is an entry in ClinVar:

NM_133261.3(GIPC3):c.763A>C (p.Met255Leu)

Gene: GIPC3 (GIPC PDZ domain containing family member 3; plus strand). Cytogenetic location: 19p13.3.
Variant type: single nucleotide variant.
Coding change: c.763A>C on transcript NM_133261.3 (MANE Select); coding-DNA position 763, A replaced by C.
Protein change: p.Met255Leu; replaces methionine 255 with leucine.
Molecular consequence: missense variant.
Genome position (GRCh38, 1-based): chr19:3,589,888, A>C. VCF-style: chr19-3589888-A-C. GRCh37 (hg19) VCF-style: chr19-3589886-A-C.
Other names: c.763A>C, p.Met255Leu (NM_001411144.1); short protein forms M255L.
Identifiers: ClinVar variation 3340374 (VCV003340374.1).

ClinVar aggregate classification (germline): Uncertain significance (1 of 4 stars; one submission).

gnomAD v4.1: 36 of 1,613,706 alleles (0.0022%); highest among the groups gnomAD compares: Non-Finnish European, 0.0029%; no homozygotes.

Submission:

GeneDx
Classification: Uncertain significance. Last evaluated: 2023-05-16. Review status: criteria provided, single submitter. Criteria: GeneDx Variant Classification Process June 2021. Collection method: clinical testing. Allele origin: germline. Affected: yes.
Comment: Not observed at significant frequency in large population cohorts (gnomAD); In silico analysis supports that this missense variant has a deleterious effect on protein structure/function; Has not been previously published as pathogenic or benign to our knowledge